The following is an entry in ClinVar:

NM_000135.4(FANCA):c.675C>G (p.Cys225Trp)

Gene: FANCA (FA complementation group A; minus strand). Cytogenetic location: 16q24.3.
Variant type: single nucleotide variant.
Coding change: c.675C>G on transcript NM_000135.4 (MANE Select); coding-DNA position 675, C replaced by G.
Protein change: p.Cys225Trp; replaces cysteine 225 with tryptophan.
Molecular consequence: missense variant.
Genome position (GRCh38, 1-based): chr16:89,805,314, G>C on the plus strand (C>G on the coding strand, the complement: FANCA is on the minus strand). VCF-style: chr16-89805314-G-C. GRCh37 (hg19) VCF-style: chr16-89871722-G-C.
Other names: c.675C>G, p.Cys225Trp (NM_001018112.3, NM_001286167.3); c.579C>G, p.Cys193Trp (NM_001351830.2); short protein forms C193W, C225W.
Identifiers: ClinVar variation 4694278 (VCV004694278.1).

ClinVar aggregate classification (germline): Uncertain significance (1 of 4 stars; one submission).

Conditions:
Fanconi anemia (FA). Also called: Fanconi's anemia. Identifiers: Orphanet 84, MedGen C0015625, MeSH D005199, MONDO:0019391.

gnomAD v4.1: 1 of 1,613,974 alleles (0.000062%); highest among the groups gnomAD compares: Non-Finnish European, 0.000085%; no homozygotes.

Submission:

Labcorp Genetics (formerly Invitae), Labcorp
Classification: Uncertain significance for Fanconi anemia. Last evaluated: 2025-06-03. Review status: criteria provided, single submitter. Criteria: Invitae Variant Classification Sherloc (09022015). Collection method: clinical testing. Allele origin: germline.
Comment: This sequence change replaces cysteine, which is neutral and slightly polar, with tryptophan, which is neutral and slightly polar, at codon 225 of the FANCA protein (p.Cys225Trp). This variant is not present in population databases (gnomAD no frequency). This variant has not been reported in the literature in individuals affected with FANCA-related conditions. Invitae Evidence Modeling of protein sequence and biophysical properties (such as structural, functional, and spatial information, amino acid conservation, physicochemical variation, residue mobility, and thermodynamic stability) indicates that this missense variant is not expected to disrupt FANCA protein function with a negative predictive value of 95%. In summary, the available evidence is currently insufficient to determine the role of this variant in disease. Therefore, it has been classified as a Variant of Uncertain Significance.